The following is an entry in ClinVar:

ClinVar aggregate classification (germline): Uncertain significance. Review status: criteria provided, multiple submitters, no conflicts (2 of 4 stars). 2 submissions from 2 submitters: Uncertain significance (2). Last evaluated 2024-11-13.

Conditions:
Snijders Blok-Campeau syndrome. Also called: INTELLECTUAL DEVELOPMENTAL DISORDER WITH MACROCEPHALY, SPEECH DELAY, AND DYSMORPHIC FACIES. Identifiers: Orphanet 599082, MedGen C4748701, MONDO:0032600, OMIM 618205.

Allele frequency attached by ClinVar (database versions not stated): gnomAD exomes 0.00001; TOPMed 0.00002.
gnomAD v4.1: 17 of 1,556,402 alleles (0.0011%); highest among the groups gnomAD compares: Non-Finnish European, 0.0015%; no homozygotes.

Submissions (2):

Revvity Omics, Revvity
Classification: Uncertain significance for Snijders Blok-Campeau syndrome. Last evaluated: 2024-11-13. Review status: criteria provided, single submitter. Criteria: ACMG Guidelines, 2015. Collection method: clinical testing. Allele origin: germline.

CeGaT Center for Human Genetics Tuebingen
Classification: Uncertain significance. Last evaluated: 2022-08-01. Review status: criteria provided, single submitter. Criteria: CeGaT Center For Human Genetics Tuebingen Variant Classification Criteria Version 2. Collection method: clinical testing. Allele origin: germline. Affected: yes. Observed: 2 variant alleles.
Comment: CHD3: PM2, PP2

NM_001005273.3(CHD3):c.5578G>A (p.Val1860Ile)

Gene: CHD3 (chromodomain helicase DNA binding protein 3; plus strand). Cytogenetic location: 17p13.1.
Variant type: single nucleotide variant.
Coding change: c.5578G>A on transcript NM_001005273.3 (MANE Select); coding-DNA position 5578, G replaced by A.
Protein change: p.Val1860Ile; replaces valine 1860 with isoleucine.
Molecular consequence: missense variant.
Genome position (GRCh38, 1-based): chr17:7,909,326, G>A. VCF-style: chr17-7909326-G-A. GRCh37 (hg19) VCF-style: chr17-7812644-G-A.
Other names: c.5755G>A, p.Val1919Ile (NM_001005271.3); c.5476G>A, p.Val1826Ile (NM_005852.4); short protein forms V1826I, V1860I, V1919I.
Identifiers: ClinVar variation 1711428 (VCV001711428.31), dbSNP rs944136166, ClinGen allele CA287499132.